The following is an entry in ClinVar:

ClinVar aggregate classification (germline): Uncertain significance (1 of 4 stars; one submission).

Conditions:
RYR1-related disorder. Also called: RYR1-related condition; RYR1-related disorders. Identifiers: MedGen CN239331.

Submission:

Labcorp Genetics (formerly Invitae), Labcorp
Classification: Uncertain significance for RYR1-related disorder. Last evaluated: 2023-11-18. Review status: criteria provided, single submitter. Criteria: Invitae Variant Classification Sherloc (09022015). Collection method: clinical testing. Allele origin: germline.
Comment: This sequence change replaces methionine, which is neutral and non-polar, with lysine, which is basic and polar, at codon 1151 of the RYR1 protein (p.Met1151Lys). This variant is not present in population databases (gnomAD no frequency). This variant has not been reported in the literature in individuals affected with RYR1-related conditions. Advanced modeling of protein sequence and biophysical properties (such as structural, functional, and spatial information, amino acid conservation, physicochemical variation, residue mobility, and thermodynamic stability) has been performed at Invitae for this missense variant, however the output from this modeling did not meet the statistical confidence thresholds required to predict the impact of this variant on RYR1 protein function. In summary, the available evidence is currently insufficient to determine the role of this variant in disease. Therefore, it has been classified as a Variant of Uncertain Significance.

NM_000540.3(RYR1):c.3452T>A (p.Met1151Lys)

Gene: RYR1 (ryanodine receptor 1; plus strand). Cytogenetic location: 19q13.2.
Variant type: single nucleotide variant.
Coding change: c.3452T>A on transcript NM_000540.3 (MANE Select); coding-DNA position 3452, T replaced by A.
Protein change: p.Met1151Lys; replaces methionine 1151 with lysine.
Molecular consequence: missense variant.
Genome position (GRCh38, 1-based): chr19:38,469,036, T>A. VCF-style: chr19-38469036-T-A. GRCh37 (hg19) VCF-style: chr19-38959676-T-A.
Other names: c.3452T>A, p.Met1151Lys (NM_001042723.2); short protein forms M1151K.
Identifiers: ClinVar variation 2697017 (VCV002697017.3), dbSNP rs2514113392, ClinGen allele CA405638483.